The following is an entry in ClinVar:

ClinVar aggregate classification (germline): Pathogenic. Review status: criteria provided, multiple submitters, no conflicts (2 of 4 stars). 5 submissions from 5 submitters: Pathogenic (5). Last evaluated 2026-01-28.

Conditions:
Retinal dystrophy. Also called: Inherited retinal dystrophy. Identifiers: Orphanet 71862, MedGen C0854723, MeSH D058499, MONDO:0019118, HP:0000556.
Retinal disorder. Also called: Retinal disorders; Retinopathies; Retinal Diseases; Retinopathy. Identifiers: MedGen C0035309, MONDO:0005283, HP:0000488.
Usher syndrome type 3A (USH3A). Also called: USHER SYNDROME, TYPE IIIA. Identifiers: MedGen C5779850, MONDO:0010170, OMIM 276902.
Retinitis pigmentosa (RP). Identifiers: Orphanet 791, MedGen C0035334, MeSH D012174, MONDO:0019200, OMIM 268000. Inheritance: Autosomal dominant, autosomal recessive and X linked inheritance.
Retinitis pigmentosa 61 (RP61). Identifiers: Orphanet 791, MedGen C3280041, MONDO:0013610, OMIM 614180.
Usher syndrome. Also called: Usher's syndrome; Usher Syndromes. Identifiers: Orphanet 886, MedGen CN469326, MeSH D052245, MONDO:0019501. Disease mechanism: loss of function.

Allele frequency attached by ClinVar (database versions not stated): gnomAD exomes 0.00013 and 0.00010; gnomAD 0.00014 and 0.00013; ESP Exome Variant Server 0.00008; ExAC 0.00009.

Submissions (5):

Genetics Laboratory, Great Ormond Street Hospital NHS Foundation Trust, North Thames Genomic Laboratory Hub
Classification: Pathogenic for Retinal disorders. Last evaluated: 2026-01-28. Review status: criteria provided, single submitter. Criteria: ACGS Best Practice Guidelines for Variant Classification in Rare Disease 2024 v1.2. Collection method: clinical testing. Allele origin: germline. Affected: yes.
Comment: PM2_moderate, PVS1_very-strong, PM3_moderate

Women's Health and Genetics/Laboratory Corporation of America, LabCorp
Classification: Pathogenic for Usher syndrome. Last evaluated: 2024-08-09. Review status: criteria provided, single submitter. Criteria: LabCorp Variant Classification Summary - May 2015. Collection method: clinical testing. Allele origin: germline.
Comment: Variant summary: CLRN1 c.148_149insTGTC (p.Ser50LeufsX12) results in a premature termination codon, predicted to cause a truncation of the encoded protein or absence of the protein due to nonsense mediated decay, which are commonly known mechanisms for disease. The variant allele was found at a frequency of 9.5e-05 in 251458 control chromosomes. This frequency is not significantly higher than estimated for a pathogenic variant in CLRN1 causing Usher Syndrome (9.5e-05 vs 0.0014), allowing no conclusion about variant significance. c.148_149insTGTC has been reported in the literature in individuals affected with Usher Syndrome. These data indicate that the variant may be associated with disease. To our knowledge, no experimental evidence demonstrating an impact on protein function has been reported. The following publication have been ascertained in the context of this evaluation (PMID: 22135276). ClinVar contains an entry for this variant (Variation ID: 1275768). Based on the evidence outlined above, the variant was classified as pathogenic.

Fulgent Genetics
Classification: Pathogenic for Retinitis pigmentosa; Usher syndrome type 3A; Retinitis pigmentosa 61. Last evaluated: 2022-05-17. Review status: criteria provided, single submitter. Criteria: ACMG Guidelines, 2015. Collection method: clinical testing. Allele origin: unknown.

Institute of Human Genetics, Univ. Regensburg, Univ. Regensburg
Classification: Pathogenic for Retinal dystrophy. Last evaluated: 2022-01-01. Review status: criteria provided, single submitter. Criteria: ACMG Guidelines, 2015. Collection method: clinical testing. Allele origin: germline. Affected: yes.

Institute of Medical Genetics and Applied Genomics, University Hospital Tübingen
Classification: Pathogenic. Last evaluated: 2021-09-15. Review status: criteria provided, single submitter. Criteria: ACMG Guidelines, 2015. Collection method: clinical testing. Allele origin: germline. Inheritance: Autosomal recessive inheritance. Affected: yes.

Literature cited by the submitters: PubMed 22135276 (cited by Women's Health and Genetics/Laboratory Corporation of America, LabCorp); PubMed 31964843 (cited by Institute of Human Genetics, Univ. Regensburg, Univ. Regensburg).

NM_174878.3(CLRN1):c.148_149insTGTC (p.Ser50fs)

Gene: CLRN1 (clarin 1; minus strand). Cytogenetic location: 3q25.1.
Variant type: Insertion.
Coding change: c.148_149insTGTC on transcript NM_174878.3 (MANE Select); coding-DNA positions 148 to 149, TGTC inserted.
Protein change: p.Ser50fs; shifts the reading frame from serine 50.
Molecular consequence: frameshift variant. On other transcripts: non-coding transcript variant (1).
Genome position: GRCh38 VCF-style: chr3-150972560-G-GGACA. GRCh37 (hg19) VCF-style: chr3-150690347-G-GGACA.
Other names: c.148_149insTGTC, p.Ser50fs (NM_001195794.1, NM_001256819.2); short protein forms S50fs.
Identifiers: ClinVar variation 1275768 (VCV001275768.6), dbSNP rs762606406, ClinGen allele CA2666207.